The following is an entry in ClinVar:

ClinVar aggregate classification (germline): Uncertain significance. Review status: criteria provided, multiple submitters, no conflicts (2 of 4 stars). 3 submissions from 3 submitters: Uncertain significance (3). Last evaluated 2025-10-18.

Conditions:
Hereditary cancer-predisposing syndrome. Also called: Neoplastic Syndromes, Hereditary; Hereditary neoplastic syndrome; Hereditary Cancer Syndrome; Tumor predisposition. Identifiers: Orphanet 140162, MedGen C0027672, MeSH D009386, MONDO:0015356.
Neurofibromatosis, type 2 (SWNV). Also called: SCHWANNOMATOSIS, VESTIBULAR; BILATERAL ACOUSTIC NEUROFIBROMATOSIS; NF2-Related Schwannomatosis. Identifiers: Orphanet 637, MedGen C0027832, MONDO:0007039, OMIM 101000. Disease mechanism: loss of function.

gnomAD v4.1: 5 of 1,569,406 alleles (0.00032%); highest among the groups gnomAD compares: South Asian, 0.0059%; no homozygotes.

Submissions (3):

Labcorp Genetics (formerly Invitae), Labcorp
Classification: Uncertain significance for Neurofibromatosis, type 2. Last evaluated: 2025-10-18. Review status: criteria provided, single submitter. Criteria: Invitae Variant Classification Sherloc (09022015). Collection method: clinical testing. Allele origin: germline.
Comment: This sequence change replaces arginine, which is basic and polar, with leucine, which is neutral and non-polar, at codon 376 of the NF2 protein (p.Arg376Leu). The frequency data for this variant in the population databases is considered unreliable, as metrics indicate poor data quality at this position in the gnomAD database. This variant has not been reported in the literature in individuals affected with NF2-related conditions. ClinVar contains an entry for this variant (Variation ID: 900259). Invitae Evidence Modeling of protein sequence and biophysical properties (such as structural, functional, and spatial information, amino acid conservation, physicochemical variation, residue mobility, and thermodynamic stability) indicates that this missense variant is not expected to disrupt NF2 protein function with a negative predictive value of 80%. In summary, the available evidence is currently insufficient to determine the role of this variant in disease. Therefore, it has been classified as a Variant of Uncertain Significance.

Ambry Genetics
Classification: Uncertain significance for Hereditary cancer-predisposing syndrome. Last evaluated: 2024-06-10. Review status: criteria provided, single submitter. Criteria: Ambry Variant Classification Scheme 2023. Collection method: clinical testing. Allele origin: germline.
Comment: The p.R376L variant (also known as c.1127G>T), located in coding exon 12 of the NF2 gene, results from a G to T substitution at nucleotide position 1127. The arginine at codon 376 is replaced by leucine, an amino acid with dissimilar properties. This amino acid position is highly conserved in available vertebrate species. In addition, the in silico prediction for this alteration is inconclusive. Since supporting evidence is limited at this time, the clinical significance of this alteration remains unclear.

Illumina Laboratory Services, Illumina
Classification: Uncertain significance for Neurofibromatosis, type 2. Last evaluated: 2018-01-13. Review status: criteria provided, single submitter. Criteria: ICSL Variant Classification Criteria 13 December 2019. Collection method: clinical testing. Allele origin: germline.

NM_000268.4(NF2):c.1127G>T (p.Arg376Leu)

Gene: NF2 (NF2, moesin-ezrin-radixin like (MERLIN) tumor suppressor; plus strand). Cytogenetic location: 22q12.2.
Variant type: single nucleotide variant.
Coding change: c.1127G>T on transcript NM_000268.4 (MANE Select); coding-DNA position 1127, G replaced by T.
Protein change: p.Arg376Leu; replaces arginine 376 with leucine.
Molecular consequence: missense variant. On other transcripts: non-coding transcript variant (1), intron variant (1).
Genome position (GRCh38, 1-based): chr22:29,673,273, G>T. VCF-style: chr22-29673273-G-T. GRCh37 (hg19) VCF-style: chr22-30069262-G-T.
Other names: c.1001G>T, p.Arg334Leu (NM_181828.3); c.1004G>T, p.Arg335Leu (NM_181829.3); c.878G>T, p.Arg293Leu (NM_181830.3, NM_181831.3); c.1127G>T, p.Arg376Leu (NM_181832.3, NM_016418.5, NM_181825.3); c.448-21479G>T (NM_181833.3); short protein forms R334L, R293L, R335L, R376L.
Identifiers: ClinVar variation 900259 (VCV000900259.10), dbSNP rs996964764, ClinGen allele CA411147966.